The following is an entry in ClinVar:

ClinVar aggregate classification (germline): Uncertain significance (1 of 4 stars; one submission).

Conditions:
Primary dilated cardiomyopathy (DCM). Also called: Dilated Cardiomyopathy. Identifiers: Orphanet 217604, MedGen C0007193, MeSH D002311, MONDO:0005021, HP:0001644. Inheritance: Various modes of inheritance.

Allele frequency attached by ClinVar (database versions not stated): gnomAD 0.00001; gnomAD exomes 0.00001.
gnomAD v4.1: 23 of 1,614,126 alleles (0.0014%); highest among the groups gnomAD compares: Admixed American, 0.0067%; no homozygotes.

Submission:

Labcorp Genetics (formerly Invitae), Labcorp
Classification: Uncertain significance for Primary dilated cardiomyopathy. Last evaluated: 2024-01-15. Review status: criteria provided, single submitter. Criteria: Invitae Variant Classification Sherloc (09022015). Collection method: clinical testing. Allele origin: germline.
Comment: This sequence change replaces serine, which is neutral and polar, with asparagine, which is neutral and polar, at codon 25 of the FHL2 protein (p.Ser25Asn). This variant is present in population databases (no rsID available, gnomAD 0.009%). This variant has not been reported in the literature in individuals affected with FHL2-related conditions. Algorithms developed to predict the effect of missense changes on protein structure and function output the following: SIFT: "Not Available"; PolyPhen-2: "Benign"; Align-GVGD: "Not Available". The asparagine amino acid residue is found in multiple mammalian species, which suggests that this missense change does not adversely affect protein function. In summary, the available evidence is currently insufficient to determine the role of this variant in disease. Therefore, it has been classified as a Variant of Uncertain Significance.

NM_001318895.3(FHL2):c.74G>A (p.Ser25Asn)

Gene: FHL2 (four and a half LIM domains 2; minus strand). Cytogenetic location: 2q12.2.
Variant type: single nucleotide variant.
Coding change: c.74G>A on transcript NM_001318895.3 (MANE Select); coding-DNA position 74, G replaced by A.
Protein change: p.Ser25Asn; replaces serine 25 with asparagine.
Molecular consequence: missense variant. On other transcripts: 5 prime UTR variant (3).
Genome position (GRCh38, 1-based): chr2:105,386,443, C>T on the plus strand (G>A on the coding strand, the complement: FHL2 is on the minus strand). VCF-style: chr2-105386443-C-T. GRCh37 (hg19) VCF-style: chr2-106002900-C-T.
Other names: c.74G>A, p.Ser25Asn (NM_001039492.3, NM_001318894.1, NM_001318896.2 and 4 more transcripts); c.-94G>A (NM_001318897.2, NM_001318898.2); c.-373G>A (NM_001318899.2); short protein forms S25N.
Identifiers: ClinVar variation 2862361 (VCV002862361.3), dbSNP rs1356667717, ClinGen allele CA348100483.
Genomic context (GRCh38, chr2:105,386,443, plus strand): 5'-TTCCCACACTCCTCGCAGGTGTTGGCGAACAGGGTCTCAAAGCACACCACGCAGTAGGGG[C>T]TCTCCTCCCGCAGGATGTACTTCTTGCCAAAGAGAGATTCGTTGCAATGGTGGCAGTCAA-3'
Protein context (NP_001305824.1, residues 15-35): FGKKYILREE[Ser25Asn]PYCVVCFETL